The following is an entry in ClinVar:

NM_001851.6(COL9A1):c.9dup (p.Cys4fs)

Gene: COL9A1 (collagen type IX alpha 1 chain; minus strand). Cytogenetic location: 6q13.
Variant type: Duplication.
Coding change: c.9dup on transcript NM_001851.6 (MANE Select); coding-DNA position 9, one base duplicated (C; older notation c.9dupC).
Protein change: p.Cys4fs; shifts the reading frame from cysteine 4.
Molecular consequence: frameshift variant.
Genome position (GRCh38, 1-based): chr6:70,302,916, G duplicated on the plus strand (C on the coding strand, the reverse complement: COL9A1 is on the minus strand); the first of 2 consecutive G bases (chr6:70,302,916-70,302,917); duplicating either gives the same sequence. VCF-style (leftmost placement, unchanged base first): chr6-70302915-A-AG. GRCh37 (hg19) VCF-style: chr6-71012618-A-AG.
Other names: c.9dup, p.Cys4fs (NM_001377291.1); short protein forms C4fs.
Identifiers: ClinVar variation 1440290 (VCV001440290.9), dbSNP rs1404756199, ClinGen allele CA567662284.

ClinVar aggregate classification (germline): Pathogenic/Likely pathogenic. Review status: criteria provided, multiple submitters, no conflicts (2 of 4 stars). 2 submissions from 2 submitters: Pathogenic (1); Likely pathogenic (1). Last evaluated 2026-01-12.

Conditions:
Connective tissue disorder. Also called: Connective tissue disease. Identifiers: MedGen C0009782, MONDO:0003900.

Submissions (2):

Labcorp Genetics (formerly Invitae), Labcorp
Classification: Pathogenic. Last evaluated: 2026-01-12. Review status: criteria provided, single submitter. Criteria: Invitae Variant Classification Sherloc (09022015). Collection method: clinical testing. Allele origin: germline.
Comment: This sequence change creates a premature translational stop signal (p.Cys4Leufs*35) in the COL9A1 gene. It is expected to result in an absent or disrupted protein product. Loss-of-function variants in COL9A1 are known to be pathogenic (PMID: 16909383, 21421862). This variant is present in population databases (no rsID available, gnomAD 0.0009%). This variant has not been reported in the literature in individuals affected with COL9A1-related conditions. ClinVar contains an entry for this variant (Variation ID: 1440290). For these reasons, this variant has been classified as Pathogenic.

Genome Diagnostics Laboratory, The Hospital for Sick Children
Classification: Likely pathogenic for Connective tissue disorder. Last evaluated: 2021-11-08. Review status: criteria provided, single submitter. Criteria: ACMG Guidelines, 2015. Collection method: clinical testing. Allele origin: germline.

Literature cited by the submitters: PubMed 16909383 (cited by Labcorp Genetics (formerly Invitae), Labcorp); PubMed 21421862 (cited by Labcorp Genetics (formerly Invitae), Labcorp).